The following is an entry in ClinVar:

ClinVar aggregate classification (germline): Uncertain significance. Review status: criteria provided, multiple submitters, no conflicts (2 of 4 stars). 2 submissions from 2 submitters: Uncertain significance (2). Last evaluated 2023-10-15.

Conditions:
Autosomal dominant Parkinson disease 8. Also called: Parkinson disease 8, susceptibility to; LRRK2-Related Parkinson Disease; Parkinson disease 8. Identifiers: Orphanet 411602, MedGen C1846862, MONDO:0011764, OMIM 607060.
Inborn genetic diseases. Identifiers: MedGen C0950123, MeSH D030342.

Submissions (2):

Ambry Genetics
Classification: Uncertain significance for Inborn genetic diseases. Last evaluated: 2023-10-15. Review status: criteria provided, single submitter. Criteria: Ambry Variant Classification Scheme 2023. Collection method: clinical testing. Allele origin: germline.
Comment: The p.K1539N variant (also known as c.4617A>T), located in coding exon 32 of the LRRK2 gene, results from an A to T substitution at nucleotide position 4617. The lysine at codon 1539 is replaced by asparagine, an amino acid with similar properties. This amino acid position is conserved. In addition, this alteration is predicted to be tolerated by in silico analysis. Since supporting evidence is limited at this time, the clinical significance of this alteration remains unclear.

Labcorp Genetics (formerly Invitae), Labcorp
Classification: Uncertain significance for Autosomal dominant Parkinson disease 8. Last evaluated: 2023-07-07. Review status: criteria provided, single submitter. Criteria: Invitae Variant Classification Sherloc (09022015). Collection method: clinical testing. Allele origin: germline.
Comment: Advanced modeling of protein sequence and biophysical properties (such as structural, functional, and spatial information, amino acid conservation, physicochemical variation, residue mobility, and thermodynamic stability) has been performed at Invitae for this missense variant, however the output from this modeling did not meet the statistical confidence thresholds required to predict the impact of this variant on LRRK2 protein function. This sequence change replaces lysine, which is basic and polar, with asparagine, which is neutral and polar, at codon 1539 of the LRRK2 protein (p.Lys1539Asn). This variant is not present in population databases (gnomAD no frequency). This variant has not been reported in the literature in individuals affected with LRRK2-related conditions. ClinVar contains an entry for this variant (Variation ID: 1404013). In summary, the available evidence is currently insufficient to determine the role of this variant in disease. Therefore, it has been classified as a Variant of Uncertain Significance.

NM_198578.4(LRRK2):c.4617A>T (p.Lys1539Asn)

Gene: LRRK2 (leucine rich repeat kinase 2; plus strand). Cytogenetic location: 12q12.
Variant type: single nucleotide variant.
Coding change: c.4617A>T on transcript NM_198578.4 (MANE Select); coding-DNA position 4617, A replaced by T.
Protein change: p.Lys1539Asn; replaces lysine 1539 with asparagine.
Molecular consequence: missense variant.
Genome position (GRCh38, 1-based): chr12:40,314,052, A>T. VCF-style: chr12-40314052-A-T. GRCh37 (hg19) VCF-style: chr12-40707854-A-T.
Other names: short protein forms K1539N.
Identifiers: ClinVar variation 1404013 (VCV001404013.8), dbSNP rs1945124851, ClinGen allele CA384418905.